The following is an entry in ClinVar:

NM_001042492.3(NF1):c.6697G>A (p.Ala2233Thr)

Gene: NF1 (neurofibromin 1; plus strand). Cytogenetic location: 17q11.2.
Variant type: single nucleotide variant.
Coding change: c.6697G>A on transcript NM_001042492.3 (MANE Select); coding-DNA position 6697, G replaced by A.
Protein change: p.Ala2233Thr; replaces alanine 2233 with threonine.
Molecular consequence: missense variant.
Genome position (GRCh38, 1-based): chr17:31,337,873, G>A. VCF-style: chr17-31337873-G-A. GRCh37 (hg19) VCF-style: chr17-29664891-G-A.
Other names: c.6634G>A, p.Ala2212Thr (NM_000267.4); short protein forms A2212T, A2233T.
Identifiers: ClinVar variation 834694 (VCV000834694.11), dbSNP rs2069718829, ClinGen allele CA399013945.

ClinVar aggregate classification (germline): Conflicting classifications of pathogenicity. Review status: criteria provided, conflicting classifications (1 of 4 stars). 5 submissions from 5 submitters: Uncertain significance (4); Benign (1). Last evaluated 2025-12-05.

Conditions:
Hereditary cancer-predisposing syndrome. Also called: Neoplastic Syndromes, Hereditary; Hereditary neoplastic syndrome; Tumor predisposition; Hereditary Cancer Syndrome. Identifiers: Orphanet 140162, MedGen C0027672, MeSH D009386, MONDO:0015356.
Cardiovascular phenotype. Identifiers: MedGen CN230736.
Juvenile myelomonocytic leukemia (JMML). Also called: LEUKEMIA, JUVENILE MYELOMONOCYTIC, SOMATIC. Identifiers: Orphanet 86834, MedGen C0349639, MONDO:0011908, OMIM 607785, HP:0012209.
Neurofibromatosis, type 1 (NF1). Also called: Peripheral type neurofibromatosis; Neurofibromatosis, type I; VON RECKLINGHAUSEN DISEASE; NEUROFIBROMATOSIS, TYPE I, SOMATIC. Identifiers: Orphanet 636, MedGen C0027831, MONDO:0018975, OMIM 162200. Disease mechanism: loss of function.

Submissions (5):

Labcorp Genetics (formerly Invitae), Labcorp
Classification: Benign for Neurofibromatosis, type 1. Last evaluated: 2025-12-05. Review status: criteria provided, single submitter. Criteria: Invitae Variant Classification Sherloc (09022015). Collection method: clinical testing. Allele origin: germline.

Ambry Genetics
Classification: Uncertain significance for Cardiovascular phenotype; Hereditary cancer-predisposing syndrome. Last evaluated: 2025-07-28. Review status: criteria provided, single submitter. Criteria: Ambry Variant Classification Scheme 2023. Collection method: clinical testing. Allele origin: germline.
Comment: The p.A2212T variant (also known as c.6634G>A), located in coding exon 43 of the NF1 gene, results from a G to A substitution at nucleotide position 6634. The alanine at codon 2212 is replaced by threonine, an amino acid with similar properties. This amino acid position is highly conserved in available vertebrate species. In addition, the in silico prediction for this alteration is inconclusive. Based on the available evidence, the clinical significance of this variant remains unclear.

Baylor Genetics
Classification: Uncertain significance for Juvenile myelomonocytic leukemia. Last evaluated: 2024-02-02. Review status: criteria provided, single submitter. Criteria: ACMG Guidelines, 2015. Collection method: clinical testing. Allele origin: unknown.

Genome-Nilou Lab
Classification: Uncertain significance for Neurofibromatosis, type 1. Last evaluated: 2022-03-15. Review status: criteria provided, single submitter. Criteria: ACMG Guidelines, 2015. Collection method: clinical testing. Allele origin: germline. Affected: no.

Sema4
Classification: Uncertain significance for Hereditary cancer-predisposing syndrome. Last evaluated: 2022-02-27. Review status: criteria provided, single submitter. Criteria: Sema4 Curation Guidelines. Collection method: curation. Allele origin: germline.
Comment: The NF1 c.6634G>A(p.A2212T) variant has not been reported in the literature to our knowledge. This variant is not reported in the population database Genome Aggregation Database (PMID: 32461654). The variant has been reported in ClinVar (Variation ID: 834694). Functional studies have not been performed, and in silico predictions of the variant's effect on protein function are inconclusive. The evidence is insufficient to meet ACMG/AMP criteria for classifying the variant as benign or pathogenic. Thus, the clinical significance of this variant is currently uncertain.